The following is an entry in ClinVar:

ClinVar aggregate classification (germline): Pathogenic (1 of 4 stars; one submission).

Conditions:
Duchenne muscular dystrophy (DMD). Also called: MUSCULAR DYSTROPHY, PSEUDOHYPERTROPHIC PROGRESSIVE, DUCHENNE TYPE; Duchenne Muscular Dystrophy (DMD). Identifiers: Orphanet 98896, MedGen C0013264, MONDO:0010679, OMIM 310200.

Submission:

Labcorp Genetics (formerly Invitae), Labcorp
Classification: Pathogenic for Duchenne muscular dystrophy. Last evaluated: 2019-07-24. Review status: criteria provided, single submitter. Criteria: Invitae Variant Classification Sherloc (09022015). Collection method: clinical testing. Allele origin: germline.
Comment: For these reasons, this variant has been classified as Pathogenic. While this particular variant has not been reported in the literature, truncating variants in DMD are known to be pathogenic (PMID: 16770791). This sequence change deletes one nucleotide in exon 65 of the DMD mRNA (c.9434delT), causing a frameshift at codon 3145. This creates a premature translational stop signal (p.Met3145Argfs*10) and is expected to result in an absent or disrupted protein product.

Literature cited by the submitters: PubMed 16770791.

NM_004006.3(DMD):c.9434del (p.Met3145fs)

Gene: DMD (dystrophin; minus strand). Cytogenetic location: Xp21.2.
Variant type: Deletion.
Coding change: c.9434del on transcript NM_004006.3 (MANE Select); coding-DNA position 9434, one base deleted (T; older notation c.9434delT).
Protein change: p.Met3145fs; shifts the reading frame from methionine 3145.
Molecular consequence: frameshift variant.
Genome position (GRCh38, 1-based): chrX:31,209,627, A deleted on the plus strand (T on the coding strand, the reverse complement: DMD is on the minus strand). VCF-style (leftmost placement, unchanged base first): chrX-31209626-CA-C. GRCh37 (hg19) VCF-style: chrX-31227743-CA-C.
Other names: c.9434delT (NM_004006.2); c.9410del, p.Met3137fs (NM_000109.4); c.9422del, p.Met3141fs (NM_004009.3); c.9065del, p.Met3022fs (NM_004010.3); c.5411del, p.Met1804fs (NM_004011.4); c.5402del, p.Met1801fs (NM_004012.4); c.2054del, p.Met685fs (NM_004013.3, NM_004020.4, NM_004021.3 and 2 more transcripts); c.1247del, p.Met416fs (NM_004014.3); and 1 more; short protein forms M416fs, M1801fs, M3141fs, M685fs, M77fs, M1804fs, M3022fs, M3137fs.
Identifiers: ClinVar variation 409926 (VCV000409926.9), dbSNP rs1060502648, ClinGen allele CA16616664.
Genomic context (GRCh38, chrX:31,209,626, plus strand): 5'-GTGCTCTTGCTCCAGGCGGTCATAAATAGTGGTCAAACAATTAATAATCTGCAGGATATC[CA>C]TGGGCTGGTCATTTTGCTTGAGGTTGTGCTGGTCCAAGGCATCACATGCAGCTGACAGGC-3'